The following is an entry in ClinVar:

ClinVar aggregate classification (germline): Conflicting classifications of pathogenicity. Review status: criteria provided, conflicting classifications (1 of 4 stars). 3 submissions from 3 submitters: Uncertain significance (2); Likely benign (1). Last evaluated 2025-02-16.

Conditions:
Oculofaciocardiodental syndrome (MCOPS2). Identifiers: Orphanet 2712, MedGen C1846265, MONDO:0010261, OMIM 300166.
Intellectual disability. Also called: Intellectual functioning disability; Intellectual developmental disorder; intellectual disabilities. Identifiers: MedGen C3714756, MeSH D008607, MONDO:0001071, HP:0001249.

Allele frequency attached by ClinVar (database versions not stated): gnomAD exomes 0.00004 and 0.00001; TOPMed 0.00002.
gnomAD v4.1: 42 of 1,212,302 alleles (0.0035%); highest among the groups gnomAD compares: Non-Finnish European, 0.0045%; no homozygotes.

Submissions (3):

Laboratory of Genetics, Children's Clinical University Hospital Latvia
Classification: Likely benign. Last evaluated: 2025-02-16. Review status: criteria provided, single submitter. Criteria: ACMG Guidelines, 2015. Collection method: clinical testing. Allele origin: germline. Affected: yes.

Labcorp Genetics (formerly Invitae), Labcorp
Classification: Uncertain significance for Oculofaciocardiodental syndrome. Last evaluated: 2021-08-20. Review status: criteria provided, single submitter. Criteria: Invitae Variant Classification Sherloc (09022015). Collection method: clinical testing. Allele origin: germline.
Comment: This sequence change replaces leucine with phenylalanine at codon 722 of the BCOR protein (p.Leu722Phe). The leucine residue is highly conserved and there is a small physicochemical difference between leucine and phenylalanine. This variant is not present in population databases (ExAC no frequency). This variant has not been reported in the literature in individuals affected with BCOR-related conditions. Algorithms developed to predict the effect of missense changes on protein structure and function are either unavailable or do not agree on the potential impact of this missense change (SIFT: "Deleterious"; PolyPhen-2: "Probably Damaging"; Align-GVGD: "Class C15"). In summary, the available evidence is currently insufficient to determine the role of this variant in disease. Therefore, it has been classified as a Variant of Uncertain Significance.

Cambridge Genomics Laboratory, East Genomic Laboratory Hub, NHS Genomic Medicine Service
Classification: Uncertain significance for Intellectual disability. Last evaluated: 2019-11-08. Review status: criteria provided, single submitter. Criteria: ACGS Best Practice Guidelines for Variant Classification in Rare Disease 2020. Collection method: clinical testing. Allele origin: germline. Affected: yes. Observed: 1 variant allele.

NM_001123385.2(BCOR):c.2166G>C (p.Leu722Phe)

Gene: BCOR (BCL6 corepressor; minus strand). Cytogenetic location: Xp11.4.
Variant type: single nucleotide variant.
Coding change: c.2166G>C on transcript NM_001123385.2 (MANE Select); coding-DNA position 2166, G replaced by C.
Protein change: p.Leu722Phe; replaces leucine 722 with phenylalanine.
Molecular consequence: missense variant.
Genome position (GRCh38, 1-based): chrX:40,073,180, C>G on the plus strand (G>C on the coding strand, the complement: BCOR is on the minus strand). VCF-style: chrX-40073180-C-G. GRCh37 (hg19) VCF-style: chrX-39932433-C-G.
Other names: c.2166G>C, p.Leu722Phe (NM_001123383.2, NM_001123384.2, NM_017745.6); short protein forms L722F.
Identifiers: ClinVar variation 465155 (VCV000465155.8), dbSNP rs1041380012, ClinGen allele CA327992208.